The following is an entry in ClinVar:

ClinVar aggregate classification (germline): Uncertain significance (1 of 4 stars; one submission).

Conditions:
KBG syndrome (KBGS). Also called: ANKRD11-Related KBG Syndrome. Identifiers: Orphanet 2332, MedGen C0220687, MONDO:0007846, OMIM 148050.

gnomAD v4.1: 29 of 1,613,304 alleles (0.0018%); highest among the groups gnomAD compares: South Asian, 0.0022%; no homozygotes.

Submission:

Labcorp Genetics (formerly Invitae), Labcorp
Classification: Uncertain significance for KBG syndrome. Last evaluated: 2024-10-20. Review status: criteria provided, single submitter. Criteria: Invitae Variant Classification Sherloc (09022015). Collection method: clinical testing. Allele origin: germline.
Comment: This sequence change replaces alanine, which is neutral and non-polar, with valine, which is neutral and non-polar, at codon 1957 of the ANKRD11 protein (p.Ala1957Val). This variant is present in population databases (no rsID available, gnomAD 0.003%). This variant has not been reported in the literature in individuals affected with ANKRD11-related conditions. Invitae Evidence Modeling of protein sequence and biophysical properties (such as structural, functional, and spatial information, amino acid conservation, physicochemical variation, residue mobility, and thermodynamic stability) indicates that this missense variant is not expected to disrupt ANKRD11 protein function with a negative predictive value of 95%. In summary, the available evidence is currently insufficient to determine the role of this variant in disease. Therefore, it has been classified as a Variant of Uncertain Significance.

NM_013275.6(ANKRD11):c.5870C>T (p.Ala1957Val)

Gene: ANKRD11 (ankyrin repeat domain 11; minus strand). Cytogenetic location: 16q24.3.
Variant type: single nucleotide variant.
Coding change: c.5870C>T on transcript NM_013275.6 (MANE Select); coding-DNA position 5870, C replaced by T.
Protein change: p.Ala1957Val; replaces alanine 1957 with valine.
Molecular consequence: missense variant.
Genome position (GRCh38, 1-based): chr16:89,280,672, G>A on the plus strand (C>T on the coding strand, the complement: ANKRD11 is on the minus strand). VCF-style: chr16-89280672-G-A. GRCh37 (hg19) VCF-style: chr16-89347080-G-A.
Other names: c.5870C>T, p.Ala1957Val (NM_001256182.2, NM_001256183.2); short protein forms A1957V.
Identifiers: ClinVar variation 3715580 (VCV003715580.2).